The following is an entry in ClinVar:

ClinVar aggregate classification (germline): Likely benign. Review status: criteria provided, multiple submitters, no conflicts (2 of 4 stars). 4 submissions from 4 submitters: Likely benign (4). Last evaluated 2025-12-14.

Conditions:
Catecholaminergic polymorphic ventricular tachycardia (CVPT). Also called: Catecholamine-induced polymorphic ventricular tachycardia. Identifiers: Orphanet 3286, MedGen C5574922, MONDO:0017990.
Cardiomyopathy (CMYO). Also called: Cardiomyopathies. Identifiers: Orphanet 167848, MedGen C0878544, MONDO:0004994, HP:0001638. Inheritance: Various modes of inheritance.
Catecholaminergic polymorphic ventricular tachycardia 1. Also called: VENTRICULAR TACHYCARDIA, STRESS-INDUCED POLYMORPHIC 1; VENTRICULAR TACHYCARDIA, CATECHOLAMINERGIC POLYMORPHIC, 1, WITH OR WITHOUT ATRIAL DYSFUNCTION AND/OR DILATED CARDIOMYOPATHY; RYR2-Related Catecholaminergic Polymorphic Ventricular Tachycardia. Identifiers: Orphanet 3286, MedGen C1631597, MONDO:0011484, OMIM 604772.

Allele frequency attached by ClinVar (database versions not stated): gnomAD exomes 0.00001; gnomAD 0.00008 and 0.00009; TOPMed 0.00020.
gnomAD v4.1: 29 of 1,486,880 alleles (0.002%); highest among the groups gnomAD compares: Admixed American, 0.032%; no homozygotes.

Submissions (4):

Labcorp Genetics (formerly Invitae), Labcorp
Classification: Likely benign for Catecholaminergic polymorphic ventricular tachycardia 1. Last evaluated: 2025-12-14. Review status: criteria provided, single submitter. Criteria: Invitae Variant Classification Sherloc (09022015). Collection method: clinical testing. Allele origin: germline.

Molecular Diagnostic Laboratory for Inherited Cardiovascular Disease, Montreal Heart Institute
Classification: Likely benign. Last evaluated: 2025-04-09. Review status: criteria provided, single submitter. Criteria: ACMG Guidelines, 2015. Collection method: clinical testing. Allele origin: germline. Affected: no.
Comment: BP5;BP6

All of Us Research Program, National Institutes of Health
Classification: Likely benign for Catecholaminergic polymorphic ventricular tachycardia. Last evaluated: 2024-01-11. Review status: criteria provided, single submitter. Criteria: ACMG Guidelines, 2015. Collection method: clinical testing. Allele origin: germline. Inheritance: Autosomal dominant inheritance. Observed: 4 variant alleles, 4 heterozygotes.
Comment: This study involves interpretation of variants in research participants for the purpose of population health screening. Participant phenotype was not available at the time of variant classification. Additional details can be found in publication PMID: 35346344, PMCID: PMC8962531

Color Diagnostics, LLC DBA Color Health
Classification: Likely benign for Cardiomyopathy. Last evaluated: 2018-11-16. Review status: criteria provided, single submitter. Criteria: ACMG Guidelines, 2015. Collection method: clinical testing. Allele origin: germline.

NM_001035.3(RYR2):c.9129-9A>G

Gene: RYR2 (ryanodine receptor 2; plus strand). Cytogenetic location: 1q43.
Variant type: single nucleotide variant.
Coding change: c.9129-9A>G on transcript NM_001035.3 (MANE Select); 9 bases into the intron before coding-DNA position 9129, A replaced by G.
Molecular consequence: intron variant.
Genome position (GRCh38, 1-based): chr1:237,700,220, A>G. VCF-style: chr1-237700220-A-G. GRCh37 (hg19) VCF-style: chr1-237863520-A-G.
Other names: c.9129-9A>G (LRG_402t1).
Identifiers: ClinVar variation 463651 (VCV000463651.17), dbSNP rs992812963, ClinGen allele CA39786310.